The following is an entry in ClinVar:

NM_021815.5(SLC5A7):c.788C>T (p.Ser263Phe)

Gene: SLC5A7 (solute carrier family 5 member 7; plus strand). Cytogenetic location: 2q12.3.
Variant type: single nucleotide variant.
Coding change: c.788C>T on transcript NM_021815.5 (MANE Select); coding-DNA position 788, C replaced by T.
Protein change: p.Ser263Phe; replaces serine 263 with phenylalanine.
Molecular consequence: missense variant.
Genome position (GRCh38, 1-based): chr2:108,006,095, C>T. VCF-style: chr2-108006095-C-T. GRCh37 (hg19) VCF-style: chr2-108622551-C-T.
Other names: c.788C>T, p.Ser263Phe (NM_001305005.3); c.473C>T, p.Ser158Phe (NM_001305006.3); c.47C>T, p.Ser16Phe (NM_001305007.3); short protein forms S158F, S263F, S16F.
Identifiers: ClinVar variation 4983956 (VCV004983956.1).
Genomic context (GRCh38, chr2:108,006,095, plus strand): 5'-TGTTTCCCGCACAGATGCTGGGTGGAATCCCATGGCAAGCATACTTTCAGAGGGTTCTCT[C>T]TTCTTCCTCAGCCACCTATGCTCAAGTGCTGTCCTTCCTGGCAGCTTTCGGGTGCCTGGT-3'
Protein context (NP_068587.1, residues 253-273): PWQAYFQRVL[Ser263Phe]SSSATYAQVL

ClinVar aggregate classification (germline): Likely pathogenic (1 of 4 stars; one submission).

Conditions:
SLC5A7-related disorder. Also called: SLC5A7-related condition.

gnomAD v4.1: 1 of 1,614,186 alleles (0.000062%); highest among the groups gnomAD compares: Admixed American, 0.0017%; no homozygotes.

Submission:

PreventionGenetics, part of Exact Sciences
Classification: Likely pathogenic for SLC5A7-related condition. Last evaluated: 2025-06-27. Review status: criteria provided, single submitter. Criteria: ACMG Guidelines, 2015. Collection method: clinical testing. Allele origin: germline.
Comment: The SLC5A7 c.788C>T variant is predicted to result in the amino acid substitution p.Ser263Phe. This variant was reported in the homozygous state in two siblings with congenital myasthenic syndrome characterized by fetal akinesia (Banerjee et al. 2019. PubMed ID: 31299140). In vitro functional characterization supports the pathogenicity of the variant (Banerjee et al. 2019. PubMed ID: 31299140). This variant is reported in 0.0029% of alleles in individuals of Latino descent in gnomAD. This variant is interpreted as likely pathogenic.